The following is an entry in ClinVar:

ClinVar aggregate classification (germline): Uncertain significance (1 of 4 stars; one submission).

Conditions:
Inborn genetic diseases. Identifiers: MedGen C0950123, MeSH D030342.

Allele frequency attached by ClinVar (database versions not stated): ExAC 0.00001; gnomAD 0.00001; TOPMed 0.00003; ESP Exome Variant Server 0.00008.
gnomAD v4.1: 9 of 1,613,988 alleles (0.00056%); highest among the groups gnomAD compares: African/African-American, 0.0067%; no homozygotes.

Submission:

Ambry Genetics
Classification: Uncertain significance for Inborn genetic diseases. Last evaluated: 2023-08-31. Review status: criteria provided, single submitter. Criteria: Ambry Variant Classification Scheme 2023. Collection method: clinical testing. Allele origin: germline.
Comment: The p.V848M variant (also known as c.2542G>A), located in coding exon 16 of the EPAS1 gene, results from a G to A substitution at nucleotide position 2542. The valine at codon 848 is replaced by methionine, an amino acid with highly similar properties. This amino acid position is conserved. In addition, the in silico prediction for this alteration is inconclusive. Since supporting evidence is limited at this time, the clinical significance of this alteration remains unclear.

NM_001430.5(EPAS1):c.2542G>A (p.Val848Met)

Gene: EPAS1 (endothelial PAS domain protein 1; plus strand). Cytogenetic location: 2p21.
Variant type: single nucleotide variant.
Coding change: c.2542G>A on transcript NM_001430.5 (MANE Select); coding-DNA position 2542, G replaced by A.
Protein change: p.Val848Met; replaces valine 848 with methionine.
Molecular consequence: missense variant.
Genome position (GRCh38, 1-based): chr2:46,384,589, G>A. VCF-style: chr2-46384589-G-A. GRCh37 (hg19) VCF-style: chr2-46611728-G-A.
Other names: short protein forms V848M.
Identifiers: ClinVar variation 1792849 (VCV001792849.3), dbSNP rs141498636, ClinGen allele CA1645399.